The following is an entry in ClinVar:

NM_000179.3(MSH6):c.335A>C (p.Asn112Thr)

Gene: MSH6 (mutS homolog 6; plus strand). Cytogenetic location: 2p16.3.
Variant type: single nucleotide variant.
Coding change: c.335A>C on transcript NM_000179.3 (MANE Select); coding-DNA position 335, A replaced by C.
Protein change: p.Asn112Thr; replaces asparagine 112 with threonine.
Molecular consequence: missense variant. On other transcripts: 5 prime UTR variant (2), intron variant (1).
Genome position (GRCh38, 1-based): chr2:47,791,001, A>C. VCF-style: chr2-47791001-A-C. GRCh37 (hg19) VCF-style: chr2-48018140-A-C.
Other names: c.-402A>C (NM_001281493.2); c.-568A>C (NM_001281494.2); c.237+7531A>C (NM_001281492.2); short protein forms N112T.
Identifiers: ClinVar variation 410455 (VCV000410455.13), dbSNP rs587779934, ClinGen allele CA16610841.

ClinVar aggregate classification (germline): Uncertain significance. Review status: criteria provided, multiple submitters, no conflicts (2 of 4 stars). 2 submissions from 2 submitters: Uncertain significance (2). Last evaluated 2025-07-08.

Conditions:
Hereditary nonpolyposis colorectal neoplasms. Identifiers: MedGen C0009405, MeSH D003123.
Hereditary cancer-predisposing syndrome. Also called: Tumor predisposition; Hereditary Cancer Syndrome; Hereditary neoplastic syndrome; Neoplastic Syndromes, Hereditary. Identifiers: Orphanet 140162, MedGen C0027672, MeSH D009386, MONDO:0015356.

gnomAD v4.1: 1 of 1,614,226 alleles (0.000062%); highest among the groups gnomAD compares: Non-Finnish European, 0.000085%; no homozygotes.

Submissions (2):

Ambry Genetics
Classification: Uncertain significance for Hereditary cancer-predisposing syndrome. Last evaluated: 2025-07-08. Review status: criteria provided, single submitter. Criteria: Ambry Variant Classification Scheme 2023. Collection method: clinical testing. Allele origin: germline.
Comment: The p.N112T variant (also known as c.335A>C), located in coding exon 2 of the MSH6 gene, results from an A to C substitution at nucleotide position 335. The asparagine at codon 112 is replaced by threonine, an amino acid with similar properties. This amino acid position is not well conserved in available vertebrate species. In addition, this alteration is predicted to be tolerated by in silico analysis. Based on the available evidence, the clinical significance of this variant remains unclear.

Labcorp Genetics (formerly Invitae), Labcorp
Classification: Uncertain significance for Hereditary nonpolyposis colorectal neoplasms. Last evaluated: 2025-04-24. Review status: criteria provided, single submitter. Criteria: Invitae Variant Classification Sherloc (09022015). Collection method: clinical testing. Allele origin: germline.
Comment: This sequence change replaces asparagine, which is neutral and polar, with threonine, which is neutral and polar, at codon 112 of the MSH6 protein (p.Asn112Thr). This variant is not present in population databases (gnomAD no frequency). This variant has not been reported in the literature in individuals affected with MSH6-related conditions. ClinVar contains an entry for this variant (Variation ID: 410455). Invitae Evidence Modeling of protein sequence and biophysical properties (such as structural, functional, and spatial information, amino acid conservation, physicochemical variation, residue mobility, and thermodynamic stability) indicates that this missense variant is not expected to disrupt MSH6 protein function with a negative predictive value of 95%. In summary, the available evidence is currently insufficient to determine the role of this variant in disease. Therefore, it has been classified as a Variant of Uncertain Significance.